The following is an entry in ClinVar:

NM_017491.5(WDR1):c.793G>A (p.Val265Met)

Gene: WDR1 (WD repeat domain 1; minus strand). Cytogenetic location: 4p16.1.
Variant type: single nucleotide variant.
Coding change: c.793G>A on transcript NM_017491.5 (MANE Select); coding-DNA position 793, G replaced by A.
Protein change: p.Val265Met; replaces valine 265 with methionine.
Molecular consequence: missense variant.
Genome position (GRCh38, 1-based): chr4:10,087,865, C>T on the plus strand (G>A on the coding strand, the complement: WDR1 is on the minus strand). VCF-style: chr4-10087865-C-T. GRCh37 (hg19) VCF-style: chr4-10089489-C-T.
Other names: c.373G>A, p.Val125Met (NM_005112.5); c.793G>A (NM_017491.3); short protein forms V265M, V125M.
Identifiers: ClinVar variation 1350773 (VCV001350773.8), dbSNP rs185879264, ClinGen allele CA2857882.

ClinVar aggregate classification (germline): Uncertain significance. Review status: criteria provided, multiple submitters, no conflicts (2 of 4 stars). 2 submissions from 2 submitters: Uncertain significance (2). Last evaluated 2024-12-16.

Conditions:
Inborn genetic diseases. Identifiers: MedGen C0950123, MeSH D030342.

Allele frequency attached by ClinVar (database versions not stated): gnomAD exomes 0.00004 and 0.00008; ExAC 0.00010; gnomAD 0.00025 and 0.00026; TOPMed 0.00029; ESP Exome Variant Server 0.00032; 1000 Genomes Project 0.00040; 1000 Genomes Project 30x 0.00047.
gnomAD v4.1: 99 of 1,569,306 alleles (0.0063%); highest among the groups gnomAD compares: African/African-American, 0.085%; 1 homozygote.

Submissions (2):

Labcorp Genetics (formerly Invitae), Labcorp
Classification: Uncertain significance. Last evaluated: 2024-12-16. Review status: criteria provided, single submitter. Criteria: Invitae Variant Classification Sherloc (09022015). Collection method: clinical testing. Allele origin: germline.
Comment: This sequence change replaces valine, which is neutral and non-polar, with methionine, which is neutral and non-polar, at codon 265 of the WDR1 protein (p.Val265Met). This variant is present in population databases (rs185879264, gnomAD 0.1%). This variant has not been reported in the literature in individuals affected with WDR1-related conditions. ClinVar contains an entry for this variant (Variation ID: 1350773). An algorithm developed to predict the effect of missense changes on protein structure and function outputs the following: PolyPhen-2: "Benign". The methionine amino acid residue is found in multiple mammalian species, which suggests that this missense change does not adversely affect protein function. In summary, the available evidence is currently insufficient to determine the role of this variant in disease. Therefore, it has been classified as a Variant of Uncertain Significance.

Ambry Genetics
Classification: Uncertain significance for Inborn genetic diseases. Last evaluated: 2021-08-02. Review status: criteria provided, single submitter. Criteria: Ambry Variant Classification Scheme 2023. Collection method: clinical testing. Allele origin: germline.